The following is an entry in ClinVar:

ClinVar aggregate classification (germline): Conflicting classifications of pathogenicity. Review status: criteria provided, conflicting classifications (1 of 4 stars). 3 submissions from 3 submitters: Pathogenic (1); Likely pathogenic (1); Uncertain significance (1). Last evaluated 2026-08-06.

Conditions:
Aarskog syndrome (AAS). Also called: FGD1-Related Faciogenital Dysplasia (Aarskog-Scott Syndrome); FGDY; Aarskog Scott syndrome; Aarskog disease; Aarskog-Scott syndrome, X-linked. Identifiers: Orphanet 915, MedGen C0175701, MONDO:0010589, OMIM 305400.

Submissions (3):

OLLIN Analises Genomicas, OLLIN
Classification: Likely pathogenic for Aarskog syndrome. Last evaluated: 2026-08-06. Review status: criteria provided, single submitter. Criteria: ACMG Guidelines 2015 PMID 25741868. Collection method: clinical testing. Allele origin: germline. Inheritance: X-linked inheritance.
Comment: This nonsense variant, located in exon 18 (of 18), is absent from gnomAD and has not been identified in the literature. However, it has been reported in ClinVar (accession VCV000224655.4). This variant introduces a premature stop codon, which is predicted to result in either a truncated protein or degradation of the mRNA via nonsense-mediated decay (NMD). According to the currently available evidence, this variant has been classified as likely pathogenic (PVS1_S, PM2_P, PM3, PP1).

GeneDx
Classification: Pathogenic. Last evaluated: 2024-06-25. Review status: criteria provided, single submitter. Criteria: GeneDx Variant Classification Process June 2021. Collection method: clinical testing. Allele origin: germline. Affected: yes.
Comment: Nonsense variant predicted to result in protein truncation as the last 41 amino acids are lost, although loss-of-function variants have not been reported downstream of this position in the protein; Not observed at significant frequency in large population cohorts (gnomAD); This variant is associated with the following publications: (PMID: 34189097, 33762894, 27551683, 33482836)

Keegan Laboratory, University of Michigan
Classification: Uncertain significance for Aarskog syndrome. Last evaluated: 2016-03-15. Review status: criteria provided, single submitter. Criteria: ACMG Guidelines, 2015. Collection method: clinical testing, research. Allele origin: maternal, unknown. Inheritance: X-linked recessive inheritance. Affected: yes and no. Observed: 4 variant alleles, 2 heterozygotes, 2 hemizygotes. Clinical features observed: Shawl scrotum, Cryptorchidism, Ptosis, Broad foot, Downslanted palpebral fissures, Bilateral talipes equinovarus, Joint contracture of the hand, Anteverted nares, Hypertelorism, Clinodactyly, Round face, Widow's peak, and 1 more.
Comment: Based on ACMG guidelines, criteria met are PM2, PP1, PP3, and PP4.

NM_004463.3(FGD1):c.2761C>T (p.Arg921Ter)

Genes: FGD1 (FYVE, RhoGEF and PH domain containing 1; minus strand), TSR2 (TSR2 ribosome maturation factor; plus strand). Cytogenetic location: Xp11.22.
Variant type: single nucleotide variant.
Coding change: c.2761C>T on transcript NM_004463.3 (MANE Select); coding-DNA position 2761, C replaced by T.
Protein change: p.Arg921Ter; replaces arginine 921 with a stop codon.
Molecular consequence: nonsense. On other transcripts: 3 prime UTR variant (5).
Genome position (GRCh38, 1-based): chrX:54,446,234, G>A on the plus strand (C>T on the coding strand, the complement: FGD1 is on the minus strand). VCF-style: chrX-54446234-G-A. GRCh37 (hg19) VCF-style: chrX-54472667-G-A.
Other names: c.*1684G>A (NM_001346789.2, NM_001346790.2, NM_001346791.2 and 2 more transcripts); short protein forms R921*.
Identifiers: ClinVar variation 224655 (VCV000224655.5), dbSNP rs869312743, ClinGen allele CA353590.